The following is an entry in ClinVar:

NM_147127.5(EVC2):c.3169_3182del (p.Ile1057fs)

Gene: EVC2 (EvC ciliary complex subunit 2; minus strand). Cytogenetic location: 4p16.2.
Variant type: Deletion.
Coding change: c.3169_3182del on transcript NM_147127.5 (MANE Select); coding-DNA positions 3169 to 3182, 14 bases deleted (ATTCTGAACGAACC).
Protein change: p.Ile1057fs; shifts the reading frame from isoleucine 1057.
Molecular consequence: frameshift variant.
Genome position (GRCh38, 1-based): chr4:5,576,330-5,576,343, GGTTCGTTCAGAAT deleted on the plus strand (ATTCTGAACGAACC on the coding strand, the reverse complement: EVC2 is on the minus strand). VCF-style (leftmost placement, unchanged base first): chr4-5576329-AGGTTCGTTCAGAAT-A. GRCh37 (hg19) VCF-style: chr4-5578056-AGGTTCGTTCAGAAT-A.
Other names: c.2929_2942del, p.Ile977fs (NM_001166136.2); short protein forms I1057fs, I977fs.
Identifiers: ClinVar variation 1724051 (VCV001724051.2), dbSNP rs2475208623, ClinGen allele CA2580070741.
Genomic context (GRCh38, chr4:5,576,329, plus strand): 5'-GCTCTTGCTCAGGGCTTGGTGCAGGACAGTAGAGACCTGCCTTTCAGAATCCACCTCCCC[AGGTTCGTTCAGAAT>A]CCCGGGCCCATCGGCCACCCACTGCTGCCAGCTCGCCAGGGCCTGCTGCTGCTGGGCTGC-3'

ClinVar aggregate classification (germline): Likely pathogenic (1 of 4 stars; one submission).

Conditions:
Ellis-van Creveld syndrome (EVC). Also called: EVC-Related Ellis-van Creveld Syndrome; EVC2-Related Ellis-van Creveld Syndrome; MESOECTODERMAL DYSPLASIA; Chondroectodermal dysplasia. Identifiers: Orphanet 289, MedGen C0013903, MONDO:0009162, OMIM 225500.

Submission:

Myriad Genetics, Inc.
Classification: Likely pathogenic for Ellis-van Creveld syndrome. Last evaluated: 2022-01-24. Review status: criteria provided, single submitter. Criteria: Myriad Women's Health Autosomal Recessive and X-Linked Classification Criteria (2021). Collection method: clinical testing. Allele origin: unknown.
Comment: NM_147127.4(EVC2):c.3169_3182del14(I1057Wfs*6) is expected to be pathogenic in the context of EVC2-related Ellis-van Creveld syndrome. This variant is predicted to lead to an abnormal or absent protein product due to the creation of a premature termination codon in EVC2, a gene where loss-of-function variants are known to be pathogenic. Please note: this variant was assessed in the context of healthy population screening.